The following is an entry in ClinVar:

ClinVar aggregate classification (germline): Likely pathogenic (1 of 4 stars; one submission).

Conditions:
Familial adenomatous polyposis 3. Also called: NTHL1-Related Adenomatous Polyposis and Colorectal Cancer; NTHL1 Tumor Syndrome; NTHL1-related attenuated familial adenomatous polyposis; NTHL1-associated polyposis. Identifiers: Orphanet 220460, Orphanet 454840, MedGen C4225157, MONDO:0014630, OMIM 616415.

Submission:

Myriad Genetics, Inc.
Classification: Likely pathogenic for Familial adenomatous polyposis 3. Last evaluated: 2023-11-22. Review status: criteria provided, single submitter. Criteria: Myriad Autosomal Dominant, Autosomal Recessive and X-Linked Classification Criteria (2023). Collection method: clinical testing. Allele origin: unknown.
Comment: This variant is considered likely pathogenic. This variant creates a frameshift predicted to result in the incorporation of abnormal amino acid sequence into the protein product and abnormal protein elongation.

NM_002528.7(NTHL1):c.796_808del (p.Leu266fs)

Gene: NTHL1 (nth like DNA glycosylase 1; minus strand). Cytogenetic location: 16p13.3.
Variant type: Deletion.
Coding change: c.796_808del on transcript NM_002528.7 (MANE Select); coding-DNA positions 796 to 808, 13 bases deleted (CTGTGGCACGAGA).
Protein change: p.Leu266fs; shifts the reading frame from leucine 266.
Molecular consequence: frameshift variant.
Genome position (GRCh38, 1-based): chr16:2,040,031-2,040,043, TCTCGTGCCACAG deleted on the plus strand (CTGTGGCACGAGA on the coding strand, the reverse complement: NTHL1 is on the minus strand). VCF-style (leftmost placement, unchanged base first): chr16-2040030-ATCTCGTGCCACAG-A. GRCh37 (hg19) VCF-style: chr16-2090031-ATCTCGTGCCACAG-A.
Other names: c.625_637del, p.Leu209fs (NM_001318193.2); c.466_478del, p.Leu156fs (NM_001318194.2); short protein forms L156fs, L209fs, L266fs.
Identifiers: ClinVar variation 2673941 (VCV002673941.1), dbSNP rs2548311523, ClinGen allele CA2695197406.
Genomic context (GRCh38, chr16:2,040,030, plus strand): 5'-TGGCAGCGAGGGTGCACAGGCAGACAGGTCTGCTGGCCGAAGCCCACCAAGAGTCCATTG[ATCTCGTGCCACAG>A]CTCCCTGTGGGGGTGGGGGCTGGGTCAGTGCTGACAGAGGGCGGGCGGGGTGAGCTCTTC-3'